The following is an entry in ClinVar:

NM_000303.3(PMM2):c.310C>G (p.Leu104Val)

Gene: PMM2 (phosphomannomutase 2; plus strand). Cytogenetic location: 16p13.2.
Variant type: single nucleotide variant.
Coding change: c.310C>G on transcript NM_000303.3 (MANE Select); coding-DNA position 310, C replaced by G.
Protein change: p.Leu104Val; replaces leucine 104 with valine.
Molecular consequence: missense variant.
Genome position (GRCh38, 1-based): chr16:8,806,370, C>G. VCF-style: chr16-8806370-C-G. GRCh37 (hg19) VCF-style: chr16-8900227-C-G.
Other names: short protein forms L104V.
Identifiers: ClinVar variation 379257 (VCV000379257.8), dbSNP rs770458492, ClinGen allele CA7893997.

ClinVar aggregate classification (germline): Pathogenic/Likely pathogenic. Review status: criteria provided, multiple submitters, no conflicts (2 of 4 stars). 4 submissions from 4 submitters: Pathogenic (2); Likely pathogenic (2). Last evaluated 2026-01-06.

Conditions:
PMM2-congenital disorder of glycosylation. Also called: CDG Ia; JAEKEN SYNDROME; PHOSPHOMANNOMUTASE 2 DEFICIENCY; PMM2-CDG; CARBOHYDRATE-DEFICIENT GLYCOPROTEIN SYNDROME, TYPE Ia; Congenital disorder of glycosylation, type Ia. Identifiers: Orphanet 79318, MedGen C0349653, MONDO:0008907, OMIM 212065.

Allele frequency attached by ClinVar (database versions not stated): gnomAD exomes below 0.00001 and 0.00001; ExAC 0.00002.
gnomAD v4.1: 3 of 1,613,416 alleles (0.00019%); highest among the groups gnomAD compares: South Asian, 0.0033%; no homozygotes.

Submissions (4):

Myriad Genetics, Inc.
Classification: Likely pathogenic for PMM2-congenital disorder of glycosylation. Last evaluated: 2026-01-06. Review status: criteria provided, single submitter. Criteria: Myriad Autosomal Dominant, Autosomal Recessive and X-Linked Classification Criteria (2023). Collection method: clinical testing. Allele origin: unknown.
Comment: NM_000303.2(PMM2):c.310C>G(L104V) is a missense variant classified as likely pathogenic in the context of congenital disorder of glycosylation, PMM2-related. L104V has been observed in cases with relevant disease (PMID: 11350185, 33583911, 30857461, Chen_2025_(Abstract)). Relevant functional assessments of this variant are not available in the literature. L104V has been observed in referenced population frequency databases. In summary, NM_000303.2(PMM2):c.310C>G(L104V) is a missense variant that has been observed more frequently in cases with the relevant disease than in healthy populations. Please note: this variant was assessed in the context of healthy population screening.

Fulgent Genetics
Classification: Likely pathogenic for PMM2-congenital disorder of glycosylation. Last evaluated: 2024-03-13. Review status: criteria provided, single submitter. Criteria: ACMG Guidelines, 2015. Collection method: clinical testing. Allele origin: germline.

Labcorp Genetics (formerly Invitae), Labcorp
Classification: Pathogenic for PMM2-congenital disorder of glycosylation. Last evaluated: 2023-09-20. Review status: criteria provided, single submitter. Criteria: Invitae Variant Classification Sherloc (09022015). Collection method: clinical testing. Allele origin: germline.
Comment: This missense change has been observed in individual(s) with congenital disorder of glycosylation Ia (PMID: 11350185, 33583911). In at least one individual the data is consistent with being in trans (on the opposite chromosome) from a pathogenic variant. For these reasons, this variant has been classified as Pathogenic. Studies have shown that this missense change alters PMM2 gene expression (PMID: 11350185). Advanced modeling of protein sequence and biophysical properties (such as structural, functional, and spatial information, amino acid conservation, physicochemical variation, residue mobility, and thermodynamic stability) performed at Invitae indicates that this missense variant is expected to disrupt PMM2 protein function. ClinVar contains an entry for this variant (Variation ID: 379257). This variant is present in population databases (rs770458492, gnomAD 0.01%). This sequence change replaces leucine, which is neutral and non-polar, with valine, which is neutral and non-polar, at codon 104 of the PMM2 protein (p.Leu104Val).

GeneDx
Classification: Pathogenic. Last evaluated: 2015-03-10. Review status: criteria provided, single submitter. Criteria: GeneDx Variant Classification (06012015). Collection method: clinical testing. Allele origin: germline. Affected: yes.
Comment: The L104V variant was not observed in approximately 6,500 individuals of European and AfricanAmerican ancestry in the NHLBI Exome Sequencing Project, indicating it is not a common benign variantin these populations. This substitution occurs at a position that is conserved across species. In silicoanalysis predict this variant is probably damaging to the protein structure/function. Missense variants innearby residues (N101K, Y102C, C103F, Y106C, Y106F, A108V, P113A, P113L) have been reported inthe Human Gene Mutation Database in association with congenital disorder of glycosylation type Ia(CDG1A) (Stenson et al., 2014), supporting the functional importance of this region of the protein.Therefore, this variant is interpreted as a pathogenic variant.

Literature cited by the submitters: PubMed 11350185 (cited by Labcorp Genetics (formerly Invitae), Labcorp); PubMed 33583911 (cited by Labcorp Genetics (formerly Invitae), Labcorp).